The following is an entry in ClinVar:

NM_000026.4(ADSL):c.366T>G (p.Ile122Met)

Gene: ADSL (adenylosuccinate lyase; plus strand). Cytogenetic location: 22q13.1.
Variant type: single nucleotide variant.
Coding change: c.366T>G on transcript NM_000026.4 (MANE Select); coding-DNA position 366, T replaced by G.
Protein change: p.Ile122Met; replaces isoleucine 122 with methionine.
Molecular consequence: missense variant. On other transcripts: non-coding transcript variant (1).
Genome position (GRCh38, 1-based): chr22:40,353,081, T>G. VCF-style: chr22-40353081-T-G. GRCh37 (hg19) VCF-style: chr22-40749085-T-G.
Other names: c.366T>G, p.Ile122Met (NM_001123378.3, NM_001363840.3); c.174T>G, p.Ile58Met (NM_001317923.2); short protein forms I58M, I122M.
Identifiers: ClinVar variation 955574 (VCV000955574.7), dbSNP rs2044410316, ClinGen allele CA411637269.

ClinVar aggregate classification (germline): Uncertain significance (1 of 4 stars; one submission).

Conditions:
Adenylosuccinate lyase deficiency (ADSLD). Also called: ADSL DEFICIENCY. Identifiers: Orphanet 46, MedGen C0268126, MONDO:0007068, OMIM 103050.

Allele frequency attached by ClinVar (database versions not stated): gnomAD 0.00001; gnomAD exomes 0.00001; TOPMed 0.00001.
gnomAD v4.1: 16 of 1,613,710 alleles (0.00099%); highest among the groups gnomAD compares: Non-Finnish European, 0.0013%; no homozygotes.

Submission:

Labcorp Genetics (formerly Invitae), Labcorp
Classification: Uncertain significance for Adenylosuccinate lyase deficiency. Last evaluated: 2021-08-31. Review status: criteria provided, single submitter. Criteria: Invitae Variant Classification Sherloc (09022015). Collection method: clinical testing. Allele origin: germline.